The following is an entry in ClinVar:

NM_020693.4(DSCAML1):c.1260C>A (p.Asn420Lys)

Gene: DSCAML1 (DS cell adhesion molecule like 1; minus strand). Cytogenetic location: 11q23.3.
Variant type: single nucleotide variant.
Coding change: c.1260C>A on transcript NM_020693.4 (MANE Select); coding-DNA position 1260, C replaced by A.
Protein change: p.Asn420Lys; replaces asparagine 420 with lysine.
Molecular consequence: missense variant.
Genome position (GRCh38, 1-based): chr11:117,518,716, G>T on the plus strand (C>A on the coding strand, the complement: DSCAML1 is on the minus strand). VCF-style: chr11-117518716-G-T. GRCh37 (hg19) VCF-style: chr11-117389431-G-T.
Other names: c.1260C>A, p.Asn420Lys (NM_001367904.1); c.852C>A, p.Asn284Lys (NM_001367905.1); c.1440C>A (NM_020693.2); short protein forms N284K, N420K.
Identifiers: ClinVar variation 2072856 (VCV002072856.6), dbSNP rs374361322, ClinGen allele CA6297313.

ClinVar aggregate classification (germline): Uncertain significance. Review status: criteria provided, multiple submitters, no conflicts (2 of 4 stars). 2 submissions from 2 submitters: Uncertain significance (2). Last evaluated 2025-11-19.

Allele frequency attached by ClinVar (database versions not stated): ExAC 0.00004; TOPMed 0.00006; gnomAD 0.00007; gnomAD exomes 0.00007; ESP Exome Variant Server 0.00031.
gnomAD v4.1: 105 of 1,612,958 alleles (0.0065%); highest among the groups gnomAD compares: Non-Finnish European, 0.0088%; no homozygotes.

Submissions (2):

Labcorp Genetics (formerly Invitae), Labcorp
Classification: Uncertain significance. Last evaluated: 2025-11-19. Review status: criteria provided, single submitter. Criteria: Invitae Variant Classification Sherloc (09022015). Collection method: clinical testing. Allele origin: germline.
Comment: This sequence change replaces asparagine, which is neutral and polar, with lysine, which is basic and polar, at codon 480 of the DSCAML1 protein (p.Asn480Lys). This variant is present in population databases (rs374361322, gnomAD 0.008%). This variant has not been reported in the literature in individuals affected with DSCAML1-related conditions. ClinVar contains an entry for this variant (Variation ID: 2072856). An algorithm developed to predict the effect of missense changes on protein structure and function (PolyPhen-2) suggests that this variant is likely to be tolerated. In summary, the available evidence is currently insufficient to determine the role of this variant in disease. Therefore, it has been classified as a Variant of Uncertain Significance.

Ambry Genetics
Classification: Uncertain significance. Last evaluated: 2023-03-28. Review status: criteria provided, single submitter. Criteria: Ambry Variant Classification Scheme 2023. Collection method: clinical testing. Allele origin: germline.